The following is an entry in ClinVar:

ClinVar aggregate classification (germline): Uncertain significance (1 of 4 stars; one submission).

Submission:

Labcorp Genetics (formerly Invitae), Labcorp
Classification: Uncertain significance. Last evaluated: 2025-08-21. Review status: criteria provided, single submitter. Criteria: Invitae Variant Classification Sherloc (09022015). Collection method: clinical testing. Allele origin: germline.
Comment: This sequence change falls in intron 29 of the ITGAM gene. It does not directly change the encoded amino acid sequence of the ITGAM protein. This variant is present in population databases (rs759492240, gnomAD 0.001%). This variant has not been reported in the literature in individuals affected with ITGAM-related conditions. Algorithms developed to predict the effect of sequence changes on RNA splicing suggest that this variant may disrupt the consensus splice site. In summary, the available evidence is currently insufficient to determine the role of this variant in disease. Therefore, it has been classified as a Variant of Uncertain Significance.

NM_000632.4(ITGAM):c.3388-13_3388-11del

Gene: ITGAM (integrin subunit alpha M; plus strand). Cytogenetic location: 16p11.2.
Variant type: Microsatellite.
Coding change: c.3388-13_3388-11del on transcript NM_000632.4 (MANE Select); 13 bases into the intron before coding-DNA position 3388 through 11 bases into the intron before coding-DNA position 3388, 3 bases deleted (CTC; older notation c.3388-13_3388-11delCTC).
Molecular consequence: intron variant.
Genome position (GRCh38, 1-based): chr16:31,331,623-31,331,625, CTC deleted; deleting any 3 consecutive bases within chr16:31,331,619-31,331,625 gives the same sequence; the c. name uses the placement nearest the transcript's 3' end. VCF-style (leftmost placement, unchanged base first): chr16-31331618-CCCT-C. GRCh37 (hg19) VCF-style: chr16-31342939-CCCT-C.
Other names: c.3391-13_3391-11del (NM_001145808.2).
Identifiers: ClinVar variation 4809563 (VCV004809563.1).